The following is an entry in ClinVar:

NM_002386.4(MC1R):c.284C>G (p.Thr95Arg)

Gene: MC1R (melanocortin 1 receptor; plus strand). Cytogenetic location: 16q24.3.
Variant type: single nucleotide variant.
Coding change: c.284C>G on transcript NM_002386.4 (MANE Select); coding-DNA position 284, C replaced by G.
Protein change: p.Thr95Arg; replaces threonine 95 with arginine.
Molecular consequence: missense variant.
Genome position (GRCh38, 1-based): chr16:89,919,542, C>G. VCF-style: chr16-89919542-C-G. GRCh37 (hg19) VCF-style: chr16-89985950-C-G.
Other names: c.284C>G (NM_002386.3); short protein forms T95R.
Identifiers: ClinVar variation 2168159 (VCV002168159.5), dbSNP rs34158934, ClinGen allele CA397460208.

ClinVar aggregate classification (germline): Uncertain significance. Review status: criteria provided, multiple submitters, no conflicts (2 of 4 stars). 2 submissions from 2 submitters: Uncertain significance (2). Last evaluated 2024-11-18.

Conditions:
Melanoma, cutaneous malignant, susceptibility to, 5. Also called: Cutaneous malignant melanoma 5. Identifiers: Orphanet 618, MedGen C2751295, MONDO:0013133, OMIM 613099.

Submissions (2):

Ambry Genetics
Classification: Uncertain significance. Last evaluated: 2024-11-18. Review status: criteria provided, single submitter. Criteria: Ambry Variant Classification Scheme 2023. Collection method: clinical testing. Allele origin: germline.
Comment: The p.T95R variant (also known as c.284C>G), located in coding exon 1 of the MC1R gene, results from a C to G substitution at nucleotide position 284. The threonine at codon 95 is replaced by arginine, an amino acid with similar properties. This amino acid position is conserved. In addition, the in silico prediction for this alteration is inconclusive. Based on the available evidence, the clinical significance of this variant remains unclear.

Labcorp Genetics (formerly Invitae), Labcorp
Classification: Uncertain significance for Melanoma, cutaneous malignant, susceptibility to, 5. Last evaluated: 2022-06-07. Review status: criteria provided, single submitter. Criteria: Invitae Variant Classification Sherloc (09022015). Collection method: clinical testing. Allele origin: germline.
Comment: This sequence change replaces threonine, which is neutral and polar, with arginine, which is basic and polar, at codon 95 of the MC1R protein (p.Thr95Arg). This variant is not present in population databases (gnomAD no frequency). This variant has not been reported in the literature in individuals affected with MC1R-related conditions. Algorithms developed to predict the effect of missense changes on protein structure and function are either unavailable or do not agree on the potential impact of this missense change (SIFT: "Deleterious"; PolyPhen-2: "Probably Damaging"; Align-GVGD: "Class C0"). In summary, the available evidence is currently insufficient to determine the role of this variant in disease. Therefore, it has been classified as a Variant of Uncertain Significance.